The following is an entry in ClinVar:

NM_001148.6(ANK2):c.10901T>C (p.Val3634Ala)

Gene: ANK2 (ankyrin 2; plus strand). Cytogenetic location: 4q26.
Variant type: single nucleotide variant.
Coding change: c.10901T>C on transcript NM_001148.6 (MANE Select); coding-DNA position 10901, T replaced by C.
Protein change: p.Val3634Ala; replaces valine 3634 with alanine.
Molecular consequence: missense variant.
Genome position (GRCh38, 1-based): chr4:113,365,051, T>C. VCF-style: chr4-113365051-T-C. GRCh37 (hg19) VCF-style: chr4-114286207-T-C.
Other names: c.4619T>C, p.Val1540Ala (NM_001127493.3); c.4658T>C, p.Val1553Ala (NM_001354225.2); c.4547T>C, p.Val1516Ala (NM_001354228.2, NM_001354258.2); c.4625T>C, p.Val1542Ala (NM_001354230.2); c.4688T>C, p.Val1563Ala (NM_001354231.2, NM_001354242.2); c.4682T>C, p.Val1561Ala (NM_001354232.2); c.4643T>C, p.Val1548Ala (NM_001354235.2, NM_001354246.2, NM_001354265.2); c.4544T>C, p.Val1515Ala (NM_001354236.2); and 35 more; short protein forms V1421A, V1462A, V1494A, V1502A, V1527A, V1528A, V1532A, V1544A.
Identifiers: ClinVar variation 3864146 (VCV003864146.1).

ClinVar aggregate classification (germline): Uncertain significance (1 of 4 stars; one submission).

Conditions:
Cardiovascular phenotype. Identifiers: MedGen CN230736.

gnomAD v4.1: 16 of 1,613,738 alleles (0.00099%); highest among the groups gnomAD compares: Non-Finnish European, 0.0014%; no homozygotes.

Submission:

Ambry Genetics
Classification: Uncertain significance for Cardiovascular phenotype. Last evaluated: 2025-02-10. Review status: criteria provided, single submitter. Criteria: Ambry Variant Classification Scheme 2023. Collection method: clinical testing. Allele origin: germline.
Comment: The p.V3634A variant (also known as c.10901T>C), located in coding exon 41 of the ANK2 gene, results from a T to C substitution at nucleotide position 10901. The valine at codon 3634 is replaced by alanine, an amino acid with similar properties. This amino acid position is poorly conserved in available vertebrate species. In addition, this alteration is predicted to be tolerated by in silico analysis. Based on the available evidence, the clinical significance of this variant remains unclear.